The following is an entry in ClinVar:

ClinVar aggregate classification (germline): Pathogenic (1 of 4 stars; one submission).

Conditions:
Mucopolysaccharidosis, MPS-II (MPS2). Also called: Hunter Syndrome; IDURONATE 2-SULFATASE DEFICIENCY; Mucopolysaccharidosis Type II; Mucopolysaccharidosis type 2; Attenuated MPS (subtype; formerly known as mild MPS II); Severe MPS II. Identifiers: Orphanet 580, Orphanet 79388, MedGen C0026705, MONDO:0010674, OMIM 309900.

Submission:

Laboratory of Diagnosis and Therapy of Lysosomal Disorders, University of Padova
Classification: Pathogenic for Mucopolysaccharidosis, MPS-II. Last evaluated: 2024-06-07. Review status: criteria provided, single submitter. Criteria: ACMG Guidelines, 2015. Collection method: literature only. Allele origin: germline. Affected: yes. Observed: 1 variant allele.
Comment: Null variant (PVS1_VeryStrong), Absent from controls (or at low frequency) in gnomAD database (PM2_Moderate), Patient’s phenotype or family history highly specific for the disease (PP4_Strong)

Classification method: ACMG Guidelines [PMID:25741868] with modifications

Literature cited by the submitters: PubMed 27351199.

NM_000202.8(IDS):c.421del (p.Ile141fs)

Genes: IDS (iduronate 2-sulfatase; minus strand), LOC106050102 (IDS recombination region; plus strand). Cytogenetic location: Xq28.
Variant type: Deletion.
Coding change: c.421del on transcript NM_000202.8 (MANE Select); coding-DNA position 421, one base deleted (A; older notation c.421delA).
Protein change: p.Ile141fs; shifts the reading frame from isoleucine 141.
Molecular consequence: frameshift variant. On other transcripts: non-coding transcript variant (1).
Genome position (GRCh38, 1-based): chrX:149,501,035, T deleted on the plus strand (A on the coding strand, the reverse complement: IDS is on the minus strand). VCF-style (leftmost placement, unchanged base first): chrX-149501034-AT-A. GRCh37 (hg19) VCF-style: chrX-148582565-AT-A.
Other names: c.151del, p.Ile51fs (NM_001166550.4); c.421del, p.Ile141fs (NM_006123.5); short protein forms I141fs, I51fs.
Identifiers: ClinVar variation 3255721 (VCV003255721.2).
Genomic context (GRCh38, chrX:149,501,034, plus strand): 5'-GAAGGATGATAAGGTGGAAAAGACCAGCTATACGGAGAATCATCGGTATGGTTAGAAGAT[AT>A]CCCTTGGAAAAAAAAAAAGGTTGTTAAAACATGATGAGTCTTTCAACACCCCACTCCCCA-3'